The following is an entry in ClinVar:

NM_006514.4(SCN10A):c.4906G>C (p.Ala1636Pro)

Gene: SCN10A (sodium voltage-gated channel alpha subunit 10; minus strand). Cytogenetic location: 3p22.2.
Variant type: single nucleotide variant.
Coding change: c.4906G>C on transcript NM_006514.4 (MANE Select); coding-DNA position 4906, G replaced by C.
Protein change: p.Ala1636Pro; replaces alanine 1636 with proline.
Molecular consequence: missense variant.
Genome position (GRCh38, 1-based): chr3:38,698,314, C>G on the plus strand (G>C on the coding strand, the complement: SCN10A is on the minus strand). VCF-style: chr3-38698314-C-G. GRCh37 (hg19) VCF-style: chr3-38739805-C-G.
Other names: c.4903G>C, p.Ala1635Pro (NM_001293306.2); c.4612G>C, p.Ala1538Pro (NM_001293307.2); short protein forms A1538P, A1635P, A1636P.
Identifiers: ClinVar variation 3950860 (VCV003950860.1).
Genomic context (GRCh38, chr3:38,698,314, plus strand): 5'-GGAAGAGGCACAGCATGCTGTTGGCGAAGGTCTGGAAGTTGAACATGTCGTCGATGCCAG[C>G]CTCCCACCTCACATGGGGAAAGCTGGACATACCGAAGATAGAGTAGATGAACATGACAAG-3'
Protein context (NP_006505.4, residues 1626-1646): MSSFPHVRWE[Ala1636Pro]GIDDMFNFQT

ClinVar aggregate classification (germline): Uncertain significance (1 of 4 stars; one submission).

Conditions:
Cardiovascular phenotype. Identifiers: MedGen CN230736.

Submission:

Ambry Genetics
Classification: Uncertain significance for Cardiovascular phenotype. Last evaluated: 2025-04-13. Review status: criteria provided, single submitter. Criteria: Ambry Variant Classification Scheme 2023. Collection method: clinical testing. Allele origin: germline.
Comment: The p.A1636P variant (also known as c.4906G>C), located in coding exon 27 of the SCN10A gene, results from a G to C substitution at nucleotide position 4906. The alanine at codon 1636 is replaced by proline, an amino acid with highly similar properties. This amino acid position is conserved. In addition, the in silico prediction for this alteration is inconclusive. Based on the available evidence, the clinical significance of this variant remains unclear.